The following is an entry in ClinVar:

NM_032119.4(ADGRV1):c.18363G>A (p.Trp6121Ter)

Gene: ADGRV1 (adhesion G protein-coupled receptor V1; plus strand). Cytogenetic location: 5q14.3.
Variant type: single nucleotide variant.
Coding change: c.18363G>A on transcript NM_032119.4 (MANE Select); coding-DNA position 18363, G replaced by A.
Protein change: p.Trp6121Ter; replaces tryptophan 6121 with a stop codon.
Molecular consequence: nonsense. On other transcripts: non-coding transcript variant (1).
Genome position (GRCh38, 1-based): chr5:91,102,271, G>A. VCF-style: chr5-91102271-G-A. GRCh37 (hg19) VCF-style: chr5-90398088-G-A.
Other names: short protein forms W6121*.
Identifiers: ClinVar variation 5019083 (VCV005019083.2).

ClinVar aggregate classification (germline): Likely pathogenic (1 of 4 stars; one submission).

Conditions:
Usher syndrome type 2C. Also called: Usher syndrome, type 2B; USHER SYNDROME, TYPE IIC. Identifiers: Orphanet 231178, Orphanet 886, MedGen C2931213, MONDO:0011558, OMIM 605472.

Submission:

Juno Genomics, Hangzhou Juno Genomics, Inc
Classification: Likely pathogenic for Usher syndrome type 2C. Review status: criteria provided, single submitter. Criteria: ACMG Guidelines, 2015. Collection method: clinical testing. Allele origin: germline.
Comment: Absent from controls (or at extremely low frequency if recessive) in Genome Aggregation Database.;Null variant in a gene where loss of function (LOF) is a known mechanism of disease.